The following is an entry in ClinVar:

ClinVar aggregate classification (germline): Uncertain significance. Review status: criteria provided, multiple submitters, no conflicts (2 of 4 stars). 2 submissions from 2 submitters: Uncertain significance (2). Last evaluated 2026-08-23.

Conditions:
Hereditary cancer-predisposing syndrome. Also called: Neoplastic Syndromes, Hereditary; Hereditary Cancer Syndrome; Tumor predisposition; Hereditary neoplastic syndrome. Identifiers: Orphanet 140162, MedGen C0027672, MeSH D009386, MONDO:0015356.
EGFR-related lung cancer (EGFR). Identifiers: MedGen CN130014.

gnomAD v4.1: 1 of 1,614,238 alleles (0.000062%); highest among the groups gnomAD compares: Non-Finnish European, 0.000085%; no homozygotes.

Submissions (2):

Ambry Genetics
Classification: Uncertain significance for Hereditary cancer-predisposing syndrome. Last evaluated: 2026-08-23. Review status: criteria provided, single submitter. Criteria: Ambry Variant Classification Scheme 2023. Collection method: clinical testing. Allele origin: germline.
Comment: The p.Q701E variant (also known as c.2101C>G), located in coding exon 18 of the EGFR gene, results from a C to G substitution at nucleotide position 2101. The glutamine at codon 701 is replaced by glutamic acid, an amino acid with highly similar properties. This amino acid position is conserved. In addition, the in silico prediction for this alteration is inconclusive. Based on the available evidence, the clinical significance of this variant remains unclear.

Labcorp Genetics (formerly Invitae), Labcorp
Classification: Uncertain significance for EGFR-related lung cancer. Last evaluated: 2026-01-27. Review status: criteria provided, single submitter. Criteria: Invitae Variant Classification Sherloc (09022015). Collection method: clinical testing. Allele origin: germline.
Comment: This sequence change replaces glutamine, which is neutral and polar, with glutamic acid, which is acidic and polar, at codon 701 of the EGFR protein (p.Gln701Glu). This variant is not present in population databases (gnomAD no frequency). This variant has not been reported in the literature in individuals affected with EGFR-related conditions. ClinVar contains an entry for this variant (Variation ID: 963285). Invitae Evidence Modeling of protein sequence and biophysical properties (such as structural, functional, and spatial information, amino acid conservation, physicochemical variation, residue mobility, and thermodynamic stability) indicates that this missense variant is not expected to disrupt EGFR protein function with a negative predictive value of 80%. In summary, the available evidence is currently insufficient to determine the role of this variant in disease. Therefore, it has been classified as a Variant of Uncertain Significance.

NM_005228.5(EGFR):c.2101C>G (p.Gln701Glu)

Gene: EGFR (epidermal growth factor receptor; plus strand). Cytogenetic location: 7p11.2.
Variant type: single nucleotide variant.
Coding change: c.2101C>G on transcript NM_005228.5 (MANE Select); coding-DNA position 2101, C replaced by G.
Protein change: p.Gln701Glu; replaces glutamine 701 with glutamic acid.
Molecular consequence: missense variant.
Genome position (GRCh38, 1-based): chr7:55,173,960, C>G. VCF-style: chr7-55173960-C-G. GRCh37 (hg19) VCF-style: chr7-55241653-C-G.
Other names: c.1966C>G, p.Gln656Glu (NM_001346897.2, NM_001346899.2); c.2101C>G, p.Gln701Glu (NM_001346898.2); c.1942C>G, p.Gln648Glu (NM_001346900.2); c.1300C>G, p.Gln434Glu (NM_001346941.2); short protein forms Q701E, Q434E, Q648E, Q656E.
Identifiers: ClinVar variation 963285 (VCV000963285.11), dbSNP rs774261340, ClinGen allele CA367583509.